The following is an entry in ClinVar:

ClinVar aggregate classification (germline): Likely benign (1 of 4 stars; one submission).

Submission:

GeneDx
Classification: Likely benign. Last evaluated: 2018-02-27. Review status: criteria provided, single submitter. Criteria: GeneDx Variant Classification (06012015). Collection method: clinical testing. Allele origin: germline. Affected: yes.
Comment: This variant is considered likely benign or benign based on one or more of the following criteria: it is a conservative change, it occurs at a poorly conserved position in the protein, it is predicted to be benign by multiple in silico algorithms, and/or has population frequency not consistent with disease.

NM_182961.4(SYNE1):c.21972G>T (p.Ser7324=)

Gene: SYNE1 (spectrin repeat containing nuclear envelope protein 1; minus strand). Cytogenetic location: 6q25.2.
Variant type: single nucleotide variant.
Coding change: c.21972G>T on transcript NM_182961.4 (MANE Select); coding-DNA position 21972, G replaced by T.
Protein change: p.Ser7324=; no amino-acid change (serine 7324 retained).
Molecular consequence: synonymous variant.
Genome position (GRCh38, 1-based): chr6:152,219,075, C>A on the plus strand (G>T on the coding strand, the complement: SYNE1 is on the minus strand). VCF-style: chr6-152219075-C-A. GRCh37 (hg19) VCF-style: chr6-152540210-C-A.
Other names: c.21759G>T, p.Ser7253= (NM_033071.5).
Identifiers: ClinVar variation 515726 (VCV000515726.1), dbSNP rs775310887, ClinGen allele CA452749140.